The following is an entry in ClinVar:

NM_001846.4(COL4A2):c.1738G>A (p.Asp580Asn)

Genes: COL4A2 (collagen type IV alpha 2 chain; plus strand), COL4A2-AS2 (COL4A2 antisense RNA 2; minus strand). Cytogenetic location: 13q34.
Variant type: single nucleotide variant.
Coding change: c.1738G>A on transcript NM_001846.4 (MANE Select); coding-DNA position 1738, G replaced by A.
Protein change: p.Asp580Asn; replaces aspartic acid 580 with asparagine.
Molecular consequence: missense variant.
Genome position (GRCh38, 1-based): chr13:110,462,346, G>A. VCF-style: chr13-110462346-G-A. GRCh37 (hg19) VCF-style: chr13-111114693-G-A.
Other names: c.1738G>A (NM_001846.3); short protein forms D580N.
Identifiers: ClinVar variation 311132 (VCV000311132.12), dbSNP rs766981913, ClinGen allele CA7049691.

ClinVar aggregate classification (germline): Conflicting classifications of pathogenicity. Review status: criteria provided, conflicting classifications (1 of 4 stars). 5 submissions from 5 submitters: Uncertain significance (4); Likely benign (1). Last evaluated 2023-09-18.

Conditions:
Brain small vessel disease 2A, autosomal dominant. Also called: Porencephaly 2. Identifiers: Orphanet 2940, Orphanet 99810, MedGen C3280970, MONDO:0013773, OMIM 614483.
COL4A2-related disorder. Also called: COL4A2-related disorders; COL4A2-related condition.
Inborn genetic diseases. Identifiers: MedGen C0950123, MeSH D030342.

Allele frequency attached by ClinVar (database versions not stated): TOPMed 0.00002; gnomAD exomes 0.00005 and 0.00002; ExAC 0.00001; gnomAD 0.00001 and 0.00002.

Submissions (5):

Labcorp Genetics (formerly Invitae), Labcorp
Classification: Uncertain significance. Last evaluated: 2023-09-18. Review status: criteria provided, single submitter. Criteria: Invitae Variant Classification Sherloc (09022015). Collection method: clinical testing. Allele origin: germline.
Comment: This variant has not been reported in the literature in individuals affected with COL4A2-related conditions. In summary, the available evidence is currently insufficient to determine the role of this variant in disease. Therefore, it has been classified as a Variant of Uncertain Significance. Advanced modeling of protein sequence and biophysical properties (such as structural, functional, and spatial information, amino acid conservation, physicochemical variation, residue mobility, and thermodynamic stability) performed at Invitae indicates that this missense variant is not expected to disrupt COL4A2 protein function. ClinVar contains an entry for this variant (Variation ID: 311132). This variant is present in population databases (rs766981913, gnomAD 0.004%). This sequence change replaces aspartic acid, which is acidic and polar, with asparagine, which is neutral and polar, at codon 580 of the COL4A2 protein (p.Asp580Asn).

Ambry Genetics
Classification: Uncertain significance for Inborn genetic diseases. Last evaluated: 2023-03-01. Review status: criteria provided, single submitter. Criteria: Ambry Variant Classification Scheme 2023. Collection method: clinical testing. Allele origin: germline.

PreventionGenetics, part of Exact Sciences
Classification: Uncertain significance for COL4A2-related condition. Last evaluated: 2022-09-06. Review status: criteria provided, single submitter. Criteria: ACMG Guidelines, 2015. Collection method: clinical testing. Allele origin: germline.
Comment: The COL4A2 c.1738G>A variant is predicted to result in the amino acid substitution p.Asp580Asn. To our knowledge, this variant has not been reported in the literature. This variant is reported in 0.0044% of alleles in individuals of European (Non-Finnish) descent in gnomAD. At this time, the clinical significance of this variant is uncertain due to the absence of conclusive functional and genetic evidence.

Blueprint Genetics
Classification: Likely benign. Last evaluated: 2022-08-24. Review status: criteria provided, single submitter. Criteria: ACMG Guidelines, 2015. Collection method: clinical testing. Allele origin: germline.

Illumina Laboratory Services, Illumina
Classification: Uncertain significance for Brain small vessel disease 2A, autosomal dominant. Last evaluated: 2018-01-13. Review status: criteria provided, single submitter. Criteria: ICSL Variant Classification Criteria 13 December 2019. Collection method: clinical testing. Allele origin: germline.